The following is an entry in ClinVar:

ClinVar aggregate classification (germline): Uncertain significance. Review status: criteria provided, multiple submitters, no conflicts (2 of 4 stars). 2 submissions from 2 submitters: Uncertain significance (2). Last evaluated 2025-06-18.

Conditions:
Inborn genetic diseases. Identifiers: MedGen C0950123, MeSH D030342.
Combined immunodeficiency due to LRBA deficiency. Also called: Common variable immunodeficiency 8, with autoimmunity. Identifiers: Orphanet 445018, MedGen C3553512, MONDO:0013863, OMIM 614700.

Allele frequency attached by ClinVar (database versions not stated): TOPMed 0.00001; gnomAD exomes 0.00002.
gnomAD v4.1: 24 of 1,612,812 alleles (0.0015%); highest among the groups gnomAD compares: Non-Finnish European, 0.002%; no homozygotes.

Submissions (2):

Ambry Genetics
Classification: Uncertain significance for Inborn genetic diseases. Last evaluated: 2025-06-18. Review status: criteria provided, single submitter. Criteria: Ambry Variant Classification Scheme 2023. Collection method: clinical testing. Allele origin: germline.

Labcorp Genetics (formerly Invitae), Labcorp
Classification: Uncertain significance for Combined immunodeficiency due to LRBA deficiency. Last evaluated: 2023-02-14. Review status: criteria provided, single submitter. Criteria: Invitae Variant Classification Sherloc (09022015). Collection method: clinical testing. Allele origin: germline.
Comment: This sequence change replaces valine, which is neutral and non-polar, with leucine, which is neutral and non-polar, at codon 1414 of the LRBA protein (p.Val1414Leu). This variant is not present in population databases (gnomAD no frequency). This variant has not been reported in the literature in individuals affected with LRBA-related conditions. ClinVar contains an entry for this variant (Variation ID: 972010). Advanced modeling of protein sequence and biophysical properties (such as structural, functional, and spatial information, amino acid conservation, physicochemical variation, residue mobility, and thermodynamic stability) has been performed at Invitae for this missense variant, however the output from this modeling did not meet the statistical confidence thresholds required to predict the impact of this variant on LRBA protein function. In summary, the available evidence is currently insufficient to determine the role of this variant in disease. Therefore, it has been classified as a Variant of Uncertain Significance.

NM_001364905.1(LRBA):c.4240G>T (p.Val1414Leu)

Gene: LRBA (LPS responsive beige-like anchor protein; minus strand). Cytogenetic location: 4q31.3.
Variant type: single nucleotide variant.
Coding change: c.4240G>T on transcript NM_001364905.1 (MANE Select); coding-DNA position 4240, G replaced by T.
Protein change: p.Val1414Leu; replaces valine 1414 with leucine.
Molecular consequence: missense variant.
Genome position (GRCh38, 1-based): chr4:150,848,917, C>A on the plus strand (G>T on the coding strand, the complement: LRBA is on the minus strand). VCF-style: chr4-150848917-C-A. GRCh37 (hg19) VCF-style: chr4-151770069-C-A.
Other names: c.4240G>T, p.Val1414Leu (NM_001199282.3, NM_001367550.1, NM_006726.5); short protein forms V1414L.
Identifiers: ClinVar variation 972010 (VCV000972010.9), dbSNP rs1750233907, ClinGen allele CA358453216.